The following is an entry in ClinVar:

ClinVar aggregate classification (germline): Uncertain significance (1 of 4 stars; one submission).

Conditions:
Atrioventricular septal defect 5 (AVSD5). Identifiers: MedGen C3280939, MONDO:0013769, OMIM 614474.

Submission:

Labcorp Genetics (formerly Invitae), Labcorp
Classification: Uncertain significance for Atrioventricular septal defect 5. Last evaluated: 2024-12-09. Review status: criteria provided, single submitter. Criteria: Invitae Variant Classification Sherloc (09022015). Collection method: clinical testing. Allele origin: germline.
Comment: This sequence change replaces threonine, which is neutral and polar, with isoleucine, which is neutral and non-polar, at codon 450 of the GATA6 protein (p.Thr450Ile). This variant is present in population databases (no rsID available, gnomAD 0.006%). This variant has not been reported in the literature in individuals affected with GATA6-related conditions. Invitae Evidence Modeling of protein sequence and biophysical properties (such as structural, functional, and spatial information, amino acid conservation, physicochemical variation, residue mobility, and thermodynamic stability) indicates that this missense variant is expected to disrupt GATA6 protein function with a positive predictive value of 80%. In summary, the available evidence is currently insufficient to determine the role of this variant in disease. Therefore, it has been classified as a Variant of Uncertain Significance.

NM_005257.6(GATA6):c.1349C>T (p.Thr450Ile)

Gene: GATA6 (GATA binding protein 6; plus strand). Cytogenetic location: 18q11.2.
Variant type: single nucleotide variant.
Coding change: c.1349C>T on transcript NM_005257.6 (MANE Select); coding-DNA position 1349, C replaced by T.
Protein change: p.Thr450Ile; replaces threonine 450 with isoleucine.
Molecular consequence: missense variant.
Genome position (GRCh38, 1-based): chr18:22,181,499, C>T. VCF-style: chr18-22181499-C-T. GRCh37 (hg19) VCF-style: chr18-19761460-C-T.
Other names: short protein forms T450I.
Identifiers: ClinVar variation 3718514 (VCV003718514.2).
Genomic context (GRCh38, chr18:22,181,499, plus strand): 5'-TGTACTGTTTCTAGCCTTCATCACGGCGGCTTGGATTGTCCTGTGCCAACTGTCACACCA[C>T]AACTACCACCTTATGGCGCAGAAACGCCGAGGGTGAACCCGTGTGCAATGCTTGTGGACT-3'
Protein context (NP_005248.2, residues 440-460): LGLSCANCHT[Thr450Ile]TTTLWRRNAE